The following is an entry in ClinVar:

NM_001130438.3(SPTAN1):c.3415G>A (p.Asp1139Asn)

Gene: SPTAN1 (spectrin alpha, non-erythrocytic 1; plus strand). Cytogenetic location: 9q34.11.
Variant type: single nucleotide variant.
Coding change: c.3415G>A on transcript NM_001130438.3 (MANE Select); coding-DNA position 3415, G replaced by A.
Protein change: p.Asp1139Asn; replaces aspartic acid 1139 with asparagine.
Molecular consequence: missense variant.
Genome position (GRCh38, 1-based): chr9:128,598,400, G>A. VCF-style: chr9-128598400-G-A. GRCh37 (hg19) VCF-style: chr9-131360679-G-A.
Other names: c.3355G>A, p.Asp1119Asn (NM_001195532.2, NM_001363765.2, NM_001375314.2 and 3 more transcripts); c.3415G>A, p.Asp1139Asn (NM_001363759.2, NM_001375310.1, NM_001375311.2 and 4 more transcripts); c.3451G>A, p.Asp1151Asn (NM_001375312.2, NM_001375318.1, NM_001438440.1); short protein forms D1119N, D1139N, D1151N.
Identifiers: ClinVar variation 4294016 (VCV004294016.1).

ClinVar aggregate classification (germline): Uncertain significance (1 of 4 stars; one submission).

Conditions:
SPTAN1-related disorder. Also called: SPTAN1-related condition; SPTAN1-related disorders.

Submission:

3billion
Classification: Uncertain significance for SPTAN1-related disorder. Last evaluated: 2024-07-29. Review status: criteria provided, single submitter. Criteria: ACMG Guidelines, 2015. Collection method: clinical testing. Allele origin: germline. Affected: yes.
Comment: The variant is not observed in the gnomAD v4.0.0 dataset. Predicted Consequence/Location: Missense variant In silico tools predict the variant to alter splicing and produce an abnormal transcript [SpliceAI: 0.33 (>=0.2, moderate evidence for spliceogenicity)]. Therefore, this variant is classified as VUS according to the recommendation of ACMG/AMP guideline.